The following is an entry in ClinVar:

ClinVar aggregate classification (germline): Uncertain significance (1 of 4 stars; one submission).

Conditions:
Cardiovascular phenotype. Identifiers: MedGen CN230736.

gnomAD v4.1: 3 of 1,610,672 alleles (0.00019%); highest among the groups gnomAD compares: Non-Finnish European, 0.000085%; no homozygotes.

Submission:

Ambry Genetics
Classification: Uncertain significance for Cardiovascular phenotype. Last evaluated: 2022-04-09. Review status: criteria provided, single submitter. Criteria: Ambry Variant Classification Scheme 2023. Collection method: clinical testing. Allele origin: germline.
Comment: The p.A381T variant (also known as c.1141G>A), located in coding exon 1 of the FKRP gene, results from a G to A substitution at nucleotide position 1141. The alanine at codon 381 is replaced by threonine, an amino acid with similar properties. This amino acid position is conserved. In addition, the in silico prediction for this alteration is inconclusive. Since supporting evidence is limited at this time, the clinical significance of this alteration remains unclear.

NM_024301.5(FKRP):c.1141G>A (p.Ala381Thr)

Gene: FKRP (fukutin related protein; plus strand). Cytogenetic location: 19q13.32.
Variant type: single nucleotide variant.
Coding change: c.1141G>A on transcript NM_024301.5 (MANE Select); coding-DNA position 1141, G replaced by A.
Protein change: p.Ala381Thr; replaces alanine 381 with threonine.
Molecular consequence: missense variant.
Genome position (GRCh38, 1-based): chr19:46,756,591, G>A. VCF-style: chr19-46756591-G-A. GRCh37 (hg19) VCF-style: chr19-47259848-G-A.
Other names: c.1141G>A, p.Ala381Thr (NM_001039885.3); short protein forms A381T.
Identifiers: ClinVar variation 1731535 (VCV001731535.2), dbSNP rs1031408738, ClinGen allele CA309099802.